The following is an entry in ClinVar:

ClinVar aggregate classification (germline): Benign (1 of 4 stars; one submission).

Allele frequency attached by ClinVar (database versions not stated): TOPMed 0.24109; gnomAD exomes 0.21721; gnomAD 0.24378 and 0.23780; 1000 Genomes Project 30x 0.32214; 1000 Genomes Project 0.33067.
gnomAD v4.1: 68,569 of 298,010 alleles (23%); highest among the groups gnomAD compares: East Asian, 61%; 9,485 homozygotes.

Submission:

GeneDx
Classification: Benign. Last evaluated: 2018-06-14. Review status: criteria provided, single submitter. Criteria: GeneDx Variant Classification (06012015). Collection method: clinical testing. Allele origin: germline. Affected: yes.
Comment: This variant is considered likely benign or benign based on one or more of the following criteria: it is a conservative change, it occurs at a poorly conserved position in the protein, it is predicted to be benign by multiple in silico algorithms, and/or has population frequency not consistent with disease.

NM_080680.2(COL11A2):c.-408C>A

Gene: COL11A2 (collagen type XI alpha 2 chain; minus strand). Cytogenetic location: 6p21.32.
Variant type: single nucleotide variant.
Coding change: c.-408C>A on transcript NM_080680.2; 408 bases upstream of the start codon, C replaced by A.
Molecular consequence: intron variant (on NM_001424111.1).
Genome position (GRCh38, 1-based): chr6:33,192,648, G>T on the plus strand (C>A on the coding strand, the complement: COL11A2 is on the minus strand). VCF-style: chr6-33192648-G-T. GRCh37 (hg19) VCF-style: chr6-33160425-G-T.
Other names: c.-765+377C>A (NM_001424111.1).
Identifiers: ClinVar variation 669616 (VCV000669616.3), dbSNP rs9277935, ClinGen allele CA12293575.